The following is an entry in ClinVar:

NM_000307.5(POU3F4):c.991C>T (p.Gln331Ter)

Gene: POU3F4 (POU class 3 homeobox 4; plus strand). Cytogenetic location: Xq21.1.
Variant type: single nucleotide variant.
Coding change: c.991C>T on transcript NM_000307.5 (MANE Select); coding-DNA position 991, C replaced by T.
Protein change: p.Gln331Ter; replaces glutamine 331 with a stop codon.
Molecular consequence: nonsense.
Genome position (GRCh38, 1-based): chrX:83,509,315, C>T. VCF-style: chrX-83509315-C-T. GRCh37 (hg19) VCF-style: chrX-82764323-C-T.
Other names: short protein forms Q331*.
Identifiers: ClinVar variation 3601689 (VCV003601689.1).

ClinVar aggregate classification (germline): Pathogenic (1 of 4 stars; one submission).

Conditions:
X-linked mixed hearing loss with perilymphatic gusher. Also called: Deafness, X-linked 2; NANCE DEAFNESS; PERILYMPHATIC GUSHER-DEAFNESS SYNDROME; SENSORINEURAL DEAFNESS, PROFOUND, WITH OR WITHOUT A CONDUCTIVE COMPONENT, ASSOCIATED WITH A UNIQUE DEVELOPMENTAL ABNORMALITY OF THE EAR; Gusher syndrome. Identifiers: Orphanet 383, MedGen C1844678, MONDO:0010576, OMIM 304400.

Submission:

Institute of Rare Diseases, West China Hospital, Sichuan University
Classification: Pathogenic for X-linked mixed hearing loss with perilymphatic gusher. Last evaluated: 2025-01-09. Review status: criteria provided, single submitter. Criteria: ClinGen HL ACMG Specifications v1. Collection method: research. Allele origin: germline. Affected: yes.
Comment: PM1;PVS1;PM3_Supporting;PM2_Supporting